The following is an entry in ClinVar:

ClinVar aggregate classification (germline): Likely benign (0 of 4 stars; one submission).

Conditions:
FGA-related disorder. Also called: FGA-related condition; FGA-related disorders.

Submission:

PreventionGenetics, part of Exact Sciences
Classification: Likely benign for FGA-related condition. Last evaluated: 2024-01-08. Review status: no assertion criteria provided. Collection method: clinical testing. Allele origin: germline.
Comment: This variant is classified as likely benign based on ACMG/AMP sequence variant interpretation guidelines (Richards et al. 2015 PMID: 25741868, with internal and published modifications).

NM_021871.4(FGA):c.702C>G (p.Pro234=)

Gene: FGA (fibrinogen alpha chain; minus strand). Cytogenetic location: 4q31.3.
Variant type: single nucleotide variant.
Coding change: c.702C>G on transcript NM_021871.4 (MANE Select); coding-DNA position 702, C replaced by G.
Protein change: p.Pro234=; no amino-acid change (proline 234 retained).
Molecular consequence: synonymous variant.
Genome position (GRCh38, 1-based): chr4:154,586,727, G>C on the plus strand (C>G on the coding strand, the complement: FGA is on the minus strand). VCF-style: chr4-154586727-G-C. GRCh37 (hg19) VCF-style: chr4-155507879-G-C.
Other names: c.702C>G, p.Pro234= (NM_000508.5).
Identifiers: ClinVar variation 3032276 (VCV003032276.2), dbSNP rs774638560, ClinGen allele CA442014669.